The following is an entry in ClinVar:

NM_170606.3(KMT2C):c.1621+1G>T

Gene: KMT2C (lysine methyltransferase 2C; minus strand). Cytogenetic location: 7q36.1.
Variant type: single nucleotide variant.
Coding change: c.1621+1G>T on transcript NM_170606.3 (MANE Select); the canonical splice donor site of the intron after coding-DNA position 1621, G replaced by T.
Molecular consequence: splice donor variant.
Genome position (GRCh38, 1-based): chr7:152,251,938, C>A on the plus strand (G>T on the coding strand, the complement: KMT2C is on the minus strand). VCF-style: chr7-152251938-C-A. GRCh37 (hg19) VCF-style: chr7-151949023-C-A.
Identifiers: ClinVar variation 4856004 (VCV004856004.1).

ClinVar aggregate classification (germline): Likely pathogenic (1 of 4 stars; one submission).

Conditions:
Kleefstra syndrome 2 (KLEFS2). Identifiers: MedGen C4540395, MONDO:0054701, OMIM 617768.

Submission:

3billion
Classification: Likely pathogenic for Kleefstra syndrome 2. Last evaluated: 2025-12-08. Review status: criteria provided, single submitter. Criteria: ACMG Guidelines, 2015. Collection method: clinical testing. Allele origin: germline. Affected: yes.
Comment: The variant is not observed in the gnomAD v4.1.0 dataset. Predicted Consequence/Location: Canonical splice site: predicted to alter splicing and result in a loss or disruption of normal protein function. Multiple pathogenic loss-of-function variants are reported downstream of the variant. In silico tools predict the variant to alter splicing and produce an abnormal transcript [SpliceAI: 1.00 (spliceogenicity >=0.2, non-spliceogenicity <0.1)]. Therefore, this variant is classified as Likely pathogenic according to the recommendation of ACMG/AMP guideline.